The following is an entry in ClinVar:

NM_000069.3(CACNA1S):c.2293C>T (p.Gln765Ter)

Gene: CACNA1S (calcium voltage-gated channel subunit alpha1 S; minus strand). Cytogenetic location: 1q32.1.
Variant type: single nucleotide variant.
Coding change: c.2293C>T on transcript NM_000069.3 (MANE Select); coding-DNA position 2293, C replaced by T.
Protein change: p.Gln765Ter; replaces glutamine 765 with a stop codon.
Molecular consequence: nonsense.
Genome position (GRCh38, 1-based): chr1:201,070,339, G>A on the plus strand (C>T on the coding strand, the complement: CACNA1S is on the minus strand). VCF-style: chr1-201070339-G-A. GRCh37 (hg19) VCF-style: chr1-201039467-G-A.
Other names: short protein forms Q765*.
Identifiers: ClinVar variation 1709679 (VCV001709679.2), dbSNP rs2464539498, ClinGen allele CA344109104.

ClinVar aggregate classification (germline): Likely pathogenic (1 of 4 stars; one submission).

Conditions:
Hypokalemic periodic paralysis, type 1. Also called: HypoPP; Hypokalemic Periodic Paralysis Type 1 (AD). Identifiers: Orphanet 681, MedGen C3714580, MONDO:0042979, OMIM 170400.

Allele frequency attached by ClinVar (database versions not stated): gnomAD exomes below 0.00001.
gnomAD v4.1: 1 of 1,614,126 alleles (0.000062%); no homozygotes.

Submission:

MGZ Medical Genetics Center
Classification: Likely pathogenic for Hypokalemic periodic paralysis, type 1. Last evaluated: 2022-07-26. Review status: criteria provided, single submitter. Criteria: ACMG Guidelines, 2015. Collection method: clinical testing. Allele origin: germline. Affected: yes. Observed: 2 variant alleles.
Comment: ACMG criteria applied: PVS1, PM2_SUP